The following is an entry in ClinVar:

NM_000384.3(APOB):c.433C>G (p.Pro145Ala)

Gene: APOB (apolipoprotein B; minus strand). Cytogenetic location: 2p24.1.
Variant type: single nucleotide variant.
Coding change: c.433C>G on transcript NM_000384.3 (MANE Select); coding-DNA position 433, C replaced by G.
Protein change: p.Pro145Ala; replaces proline 145 with alanine.
Molecular consequence: missense variant.
Genome position (GRCh38, 1-based): chr2:21,038,062, G>C on the plus strand (C>G on the coding strand, the complement: APOB is on the minus strand). VCF-style: chr2-21038062-G-C. GRCh37 (hg19) VCF-style: chr2-21260934-G-C.
Other names: short protein forms P145A.
Identifiers: ClinVar variation 1803887 (VCV001803887.2), dbSNP rs6752026, ClinGen allele CA060884.

ClinVar aggregate classification (germline): Uncertain significance (1 of 4 stars; one submission).

Conditions:
Familial hypobetalipoproteinemia 1. Also called: Hypobetalipoproteinemia, normotriglyceridemic; Acanthocytosis with hypobetalipoproteinemia; APOB-Related Familial Hypobetalipoproteinemia. Identifiers: MedGen C4551990, MONDO:0014252, OMIM 615558.
Hypercholesterolemia, autosomal dominant, type B (FHCL2). Also called: Familial Hypercholesterolemia Type B; APOLIPOPROTEIN B-100, FAMILIAL DEFECTIVE; APOLIPOPROTEIN B-100, FAMILIAL LIGAND-DEFECTIVE; HYPERCHOLESTEROLEMIA, FAMILIAL, DUE TO LIGAND-DEFECTIVE APOLIPOPROTEIN B; Familial hypercholesterolemia 2; APOB-Related Familial Hypercholesterolemia, Autosomal Dominant. Identifiers: MedGen C1704417, MONDO:0007751, OMIM 144010.

Submission:

New York Genome Center
Classification: Uncertain significance for Hypercholesterolemia, autosomal dominant, type B; Familial hypobetalipoproteinemia 1. Last evaluated: 2021-12-10. Review status: criteria provided, single submitter. Criteria: NYGC Assertion Criteria 2020. Collection method: clinical testing. Allele origin: germline. Observed: 1 heterozygote.
Comment: The c.433C>G (p.Pro145Ala) variant identified in the APOB gene substitutes a conserved Proline for Alanine at amino acid 145/4564 (exon 5/29). This variant is absent from gnomAD(v3.1.2) suggesting it is not a common benign variant in the populations represented in that database. In silico algorithms predict this variant to be Tolerated (SIFT; score:0.056) and Benign (REVEL; 0.215) to the function of the canonical transcript. This variant is absent from ClinVar, and to our current knowledge has not been reported in individuals with hypercholesterolemia. Given the lack of compelling evidence for its pathogenicity, the c.433C>G (p.Pro145Ala) variant identified in the APOB gene is reported as a Variant of Uncertain Significance.